The following is an entry in ClinVar:

ClinVar aggregate classification (germline): Benign/Likely benign. Review status: criteria provided, multiple submitters, no conflicts (2 of 4 stars). 7 submissions from 7 submitters: Benign (2); Likely benign (4). 1 of the submissions does not count toward it. Last evaluated 2025-12-24.

Conditions:
SMARCA2-related disorder. Also called: SMARCA2-related condition.
Nicolaides-Baraitser syndrome (NCBRS). Also called: Intellectual disability-sparse hair-brachydactyly syndrome; SMARCA2-Related Nicolaides-Baraitser Syndrome. Identifiers: Orphanet 3051, MedGen C1303073, MONDO:0011053, OMIM 601358.
Inborn genetic diseases. Identifiers: MedGen C0950123, MeSH D030342.

Allele frequency attached by ClinVar (database versions not stated): gnomAD 0.00022 and 0.00024; TOPMed 0.00023; gnomAD exomes 0.00032; ESP Exome Variant Server 0.00046; ExAC 0.00063.
gnomAD v4.1: 675 of 1,605,586 alleles (0.042%); highest among the groups gnomAD compares: Non-Finnish European, 0.055%; 1 homozygote.

Submissions (7):

Labcorp Genetics (formerly Invitae), Labcorp
Classification: Likely benign. Last evaluated: 2025-12-24. Review status: criteria provided, single submitter. Criteria: Invitae Variant Classification Sherloc (09022015). Collection method: clinical testing. Allele origin: germline.

Blueprint Genetics
Classification: Likely benign. Last evaluated: 2024-09-18. Review status: criteria provided, single submitter. Criteria: ACMG Guidelines, 2015. Collection method: clinical testing. Allele origin: germline.

CeGaT Center for Human Genetics Tuebingen
Classification: Likely benign. Last evaluated: 2023-11-01. Review status: criteria provided, single submitter. Criteria: CeGaT Center For Human Genetics Tuebingen Variant Classification Criteria Version 2. Collection method: clinical testing. Allele origin: germline. Affected: yes. Observed: 1 variant allele.
Comment: SMARCA2: PP3, BS2

Ambry Genetics
Classification: Likely benign for Inborn genetic diseases. Last evaluated: 2021-04-28. Review status: criteria provided, single submitter. Criteria: Ambry Variant Classification Scheme 2023. Collection method: clinical testing. Allele origin: germline.

GeneDx
Classification: Benign. Last evaluated: 2019-04-18. Review status: criteria provided, single submitter. Criteria: GeneDx Variant Classification Process June 2021. Collection method: clinical testing. Allele origin: germline. Affected: yes.

Illumina Laboratory Services, Illumina
Classification: Benign for Nicolaides-Baraitser syndrome. Last evaluated: 2018-01-12. Review status: criteria provided, single submitter. Criteria: ICSL Variant Classification Criteria 13 December 2019. Collection method: clinical testing. Allele origin: germline.
Comment: This variant was observed in the ICSL laboratory as part of a predisposition screen in an ostensibly healthy population. It had not been previously curated by ICSL or reported in the Human Gene Mutation Database (HGMD: prior to June 1st, 2018), and was therefore a candidate for classification through an automated scoring system. Utilizing variant allele frequency, disease prevalence and penetrance estimates, and inheritance mode, an automated score was calculated to assess if this variant is too frequent to cause the disease. Based on the score and internal cut-off values, a variant classified as benign is not then subjected to further curation. The score for this variant resulted in a classification of benign for this disease.

PreventionGenetics, part of Exact Sciences
Classification: Likely benign for SMARCA2-related condition. Last evaluated: 2022-09-28. Review status: no assertion criteria provided. Collection method: clinical testing. Allele origin: germline. Not counted in ClinVar's aggregate classification.
Comment: This variant is classified as likely benign based on ACMG/AMP sequence variant interpretation guidelines (Richards et al. 2015 PMID: 25741868, with internal and published modifications).

NM_003070.5(SMARCA2):c.97C>T (p.Pro33Ser)

Gene: SMARCA2 (SWI/SNF related BAF chromatin remodeling complex subunit ATPase 2; plus strand). Cytogenetic location: 9p24.3.
Variant type: single nucleotide variant.
Coding change: c.97C>T on transcript NM_003070.5 (MANE Select); coding-DNA position 97, C replaced by T.
Protein change: p.Pro33Ser; replaces proline 33 with serine.
Molecular consequence: missense variant.
Genome position (GRCh38, 1-based): chr9:2,029,119, C>T. VCF-style: chr9-2029119-C-T. GRCh37 (hg19) VCF-style: chr9-2029119-C-T.
Other names: c.97C>T, p.Pro33Ser (NM_001289396.2, NM_001289397.2, NM_139045.4); short protein forms P33S.
Identifiers: ClinVar variation 366193 (VCV000366193.37), dbSNP rs146990134, ClinGen allele CA4962751.